The following is an entry in ClinVar:

ClinVar aggregate classification (germline): Uncertain significance (1 of 4 stars; one submission).

Conditions:
Inborn genetic diseases. Identifiers: MedGen C0950123, MeSH D030342.

Submission:

Ambry Genetics
Classification: Uncertain significance for Inborn genetic diseases. Last evaluated: 2025-10-27. Review status: criteria provided, single submitter. Criteria: Ambry Variant Classification Scheme 2023. Collection method: clinical testing. Allele origin: germline.
Comment: The p.V1427F variant (also known as c.4279G>T), located in coding exon 15 of the FANCM gene, results from a G to T substitution at nucleotide position 4279. The valine at codon 1427 is replaced by phenylalanine, an amino acid with highly similar properties. This amino acid position is conserved. In addition, this alteration is predicted to be tolerated by in silico analysis. Based on the available evidence, the clinical significance of this variant remains unclear.

NM_020937.4(FANCM):c.4279G>T (p.Val1427Phe)

Gene: FANCM (FA complementation group M; plus strand). Cytogenetic location: 14q21.2.
Variant type: single nucleotide variant.
Coding change: c.4279G>T on transcript NM_020937.4 (MANE Select); coding-DNA position 4279, G replaced by T.
Protein change: p.Val1427Phe; replaces valine 1427 with phenylalanine.
Molecular consequence: missense variant.
Genome position (GRCh38, 1-based): chr14:45,181,486, G>T. VCF-style: chr14-45181486-G-T. GRCh37 (hg19) VCF-style: chr14-45650689-G-T.
Other names: c.4201G>T, p.Val1401Phe (NM_001308133.2); short protein forms V1401F, V1427F.
Identifiers: ClinVar variation 4619528 (VCV004619528.1).
Genomic context (GRCh38, chr14:45,181,486, plus strand): 5'-ATAGATGGACAATTATTAACAAGTAACGAAAGTGAAGATGACGAGATTTTCCGAAGAAAA[G>T]TTAAAAGAGCAAAAGGAAATGTTTTAAACTCTCCTGAGGTGAGTCATTCAGTAATCACAA-3'
Protein context (NP_065988.1, residues 1417-1437): SEDDEIFRRK[Val1427Phe]KRAKGNVLNS